The following is an entry in ClinVar:

ClinVar aggregate classification (germline): Uncertain significance. Review status: criteria provided, multiple submitters, no conflicts (2 of 4 stars). 3 submissions from 3 submitters: Uncertain significance (3). Last evaluated 2024-05-17.

Allele frequency attached by ClinVar (database versions not stated): gnomAD 0.00001; gnomAD exomes 0.00001 and 0.00003; TOPMed 0.00001; ExAC 0.00003.

Submissions (3):

GeneDx
Classification: Uncertain significance. Last evaluated: 2024-05-17. Review status: criteria provided, single submitter. Criteria: GeneDx Variant Classification Process June 2021. Collection method: clinical testing. Allele origin: germline. Affected: yes.
Comment: In silico analysis supports that this missense variant does not alter protein structure/function; Has not been previously published as pathogenic or benign to our knowledge

Labcorp Genetics (formerly Invitae), Labcorp
Classification: Uncertain significance. Last evaluated: 2022-10-13. Review status: criteria provided, single submitter. Criteria: Invitae Variant Classification Sherloc (09022015). Collection method: clinical testing. Allele origin: germline.
Comment: In summary, the available evidence is currently insufficient to determine the role of this variant in disease. Therefore, it has been classified as a Variant of Uncertain Significance. Advanced modeling of protein sequence and biophysical properties (such as structural, functional, and spatial information, amino acid conservation, physicochemical variation, residue mobility, and thermodynamic stability) performed at Invitae indicates that this missense variant is not expected to disrupt USH1G protein function. ClinVar contains an entry for this variant (Variation ID: 1329542). This variant has not been reported in the literature in individuals affected with USH1G-related conditions. This variant is present in population databases (rs781376716, gnomAD 0.01%). This sequence change replaces methionine, which is neutral and non-polar, with isoleucine, which is neutral and non-polar, at codon 401 of the USH1G protein (p.Met401Ile).

Blueprint Genetics
Classification: Uncertain significance. Last evaluated: 2019-07-18. Review status: criteria provided, single submitter. Criteria: ACMG Guidelines, 2015. Collection method: clinical testing. Allele origin: germline.

NM_173477.5(USH1G):c.1203G>A (p.Met401Ile)

Gene: USH1G (USH1 protein network component sans; minus strand). Cytogenetic location: 17q25.1.
Variant type: single nucleotide variant.
Coding change: c.1203G>A on transcript NM_173477.5 (MANE Select); coding-DNA position 1203, G replaced by A.
Protein change: p.Met401Ile; replaces methionine 401 with isoleucine.
Molecular consequence: missense variant.
Genome position (GRCh38, 1-based): chr17:74,919,633, C>T on the plus strand (G>A on the coding strand, the complement: USH1G is on the minus strand). VCF-style: chr17-74919633-C-T. GRCh37 (hg19) VCF-style: chr17-72915728-C-T.
Other names: c.894G>A, p.Met298Ile (NM_001282489.3); short protein forms M298I, M401I.
Identifiers: ClinVar variation 1329542 (VCV001329542.9), dbSNP rs781376716, ClinGen allele CA8753915.